The following is an entry in ClinVar:

ClinVar aggregate classification (germline): Pathogenic/Likely pathogenic. Review status: criteria provided, multiple submitters, no conflicts (2 of 4 stars). 3 submissions from 3 submitters: Pathogenic (2); Likely pathogenic (1). Last evaluated 2025-11-21.

Conditions:
BBS2-related disorder. Also called: BBS2-related disorders; BBS2-related condition. Identifiers: MedGen CN239228.
Bardet-Biedl syndrome 2 (BBS2). Identifiers: Orphanet 110, MedGen C2936863, MONDO:0014432, OMIM 615981.

Allele frequency attached by ClinVar (database versions not stated): gnomAD exomes below 0.00001.
gnomAD v4.1: 2 of 1,613,970 alleles (0.00012%); highest among the groups gnomAD compares: Non-Finnish European, 0.00017%; no homozygotes.

Submissions (3):

Natera, Inc.
Classification: Likely pathogenic for Bardet-Biedl syndrome type 2. Last evaluated: 2025-11-21. Review status: criteria provided, single submitter. Criteria: Natera Variant Classification Schema (03/2026). Collection method: clinical testing. Allele origin: germline.
Comment: The c.612+1G>A variant in BBS2 is a canonical splice donor site variant predicted to affect pre-mRNA splicing, which may result in an abnormal transcript and altered protein product. This variant may result in a truncated or dysfunctional protein product. This variant is rare in the general population with a frequency below the threshold expected for the associated phenotype(s). This variant has been observed in one or more individuals affected with the associated recessive disease, as either homozygous or compound heterozygous with a second variant (PMID: 27659767, 25170860). Given the available evidence, this variant is classified as Likely Pathogenic.

PreventionGenetics, part of Exact Sciences
Classification: Pathogenic for BBS2-related condition. Last evaluated: 2025-01-09. Review status: criteria provided, single submitter. Criteria: ACMG Guidelines, 2015. Collection method: clinical testing. Allele origin: germline.
Comment: The BBS2 c.612+1G>A variant is predicted to disrupt the GT donor site and interfere with normal splicing. This variant has been reported in an individual with Bardet-Biedl syndrome (Table S4, Denniston et al. 2014. PubMed ID: 25170860). This variant has not been reported in a large population database (gnomAD), indicating this variant is rare. Variants that disrupt the consensus splice donor site in BBS2 are expected to be pathogenic. This variant is interpreted as pathogenic.

Baylor Genetics
Classification: Pathogenic for Bardet-Biedl syndrome 2. Last evaluated: 2024-03-11. Review status: criteria provided, single submitter. Criteria: ACMG Guidelines, 2015. Collection method: clinical testing. Allele origin: unknown.

Literature cited by the submitters: PubMed 27659767 (cited by Natera, Inc.); PubMed 25170860 (cited by Natera, Inc.).

NM_031885.5(BBS2):c.612+1G>A

Gene: BBS2 (Bardet-Biedl syndrome 2; minus strand). Cytogenetic location: 16q13.
Variant type: single nucleotide variant.
Coding change: c.612+1G>A on transcript NM_031885.5 (MANE Select); the canonical splice donor site of the intron after coding-DNA position 612, G replaced by A.
Molecular consequence: splice donor variant.
Genome position (GRCh38, 1-based): chr16:56,509,956, C>T on the plus strand (G>A on the coding strand, the complement: BBS2 is on the minus strand). VCF-style: chr16-56509956-C-T. GRCh37 (hg19) VCF-style: chr16-56543868-C-T.
Other names: c.612+1G>A (NM_001377456.1, NM_031885.3).
Identifiers: ClinVar variation 3240882 (VCV003240882.3), dbSNP rs1964531402.
Genomic context (GRCh38, chr16:56,509,956, plus strand): 5'-CATCTGACAGTACTGATCTATCTTGCTCAAGGTTACCATAGTTCGAGGTGGAGCTTCTTA[C>T]CTCTGTTTCTGTCATTTCTGCCACAATCTCATCTTCCTTAAAAACTCGGATATCAAAATC-3'